The following is an entry in ClinVar:

ClinVar aggregate classification (germline): Uncertain significance (1 of 4 stars; one submission).

Allele frequency attached by ClinVar (database versions not stated): TOPMed below 0.00001; ExAC 0.00001.
gnomAD v4.1: 4 of 1,612,898 alleles (0.00025%); highest among the groups gnomAD compares: South Asian, 0.0011%; no homozygotes.

Submission:

Labcorp Genetics (formerly Invitae), Labcorp
Classification: Uncertain significance. Last evaluated: 2024-01-02. Review status: criteria provided, single submitter. Criteria: Invitae Variant Classification Sherloc (09022015). Collection method: clinical testing. Allele origin: germline.
Comment: This sequence change replaces arginine, which is basic and polar, with glutamine, which is neutral and polar, at codon 351 of the COL9A3 protein (p.Arg351Gln). This variant is present in population databases (rs752483618, gnomAD 0.006%). This variant has not been reported in the literature in individuals affected with COL9A3-related conditions. An algorithm developed to predict the effect of missense changes on protein structure and function (PolyPhen-2) suggests that this variant is likely to be disruptive. In summary, the available evidence is currently insufficient to determine the role of this variant in disease. Therefore, it has been classified as a Variant of Uncertain Significance.

NM_001853.4(COL9A3):c.1052G>A (p.Arg351Gln)

Gene: COL9A3 (collagen type IX alpha 3 chain; plus strand). Cytogenetic location: 20q13.33.
Variant type: single nucleotide variant.
Coding change: c.1052G>A on transcript NM_001853.4 (MANE Select); coding-DNA position 1052, G replaced by A.
Protein change: p.Arg351Gln; replaces arginine 351 with glutamine.
Molecular consequence: missense variant.
Genome position (GRCh38, 1-based): chr20:62,829,498, G>A. VCF-style: chr20-62829498-G-A. GRCh37 (hg19) VCF-style: chr20-61460850-G-A.
Other names: short protein forms R351Q.
Identifiers: ClinVar variation 2919796 (VCV002919796.3), dbSNP rs752483618, ClinGen allele CA9949706.